The following is an entry in ClinVar:

ClinVar aggregate classification (germline): Uncertain significance (1 of 4 stars; one submission).

Allele frequency attached by ClinVar (database versions not stated): gnomAD exomes 0.00003; gnomAD 0.00001; ExAC 0.00002; TOPMed 0.00006.

Submission:

Labcorp Genetics (formerly Invitae), Labcorp
Classification: Uncertain significance. Last evaluated: 2024-11-30. Review status: criteria provided, single submitter. Criteria: Invitae Variant Classification Sherloc (09022015). Collection method: clinical testing. Allele origin: germline.
Comment: This sequence change replaces asparagine, which is neutral and polar, with aspartic acid, which is acidic and polar, at codon 197 of the THPO protein (p.Asn197Asp). This variant is present in population databases (rs773045931, gnomAD 0.04%). This variant has not been reported in the literature in individuals affected with THPO-related conditions. ClinVar contains an entry for this variant (Variation ID: 2076583). Invitae Evidence Modeling of protein sequence and biophysical properties (such as structural, functional, and spatial information, amino acid conservation, physicochemical variation, residue mobility, and thermodynamic stability) indicates that this missense variant is not expected to disrupt THPO protein function with a negative predictive value of 80%. In summary, the available evidence is currently insufficient to determine the role of this variant in disease. Therefore, it has been classified as a Variant of Uncertain Significance.

NM_000460.4(THPO):c.589A>G (p.Asn197Asp)

Gene: THPO (thrombopoietin; minus strand). Cytogenetic location: 3q27.1.
Variant type: single nucleotide variant.
Coding change: c.589A>G on transcript NM_000460.4 (MANE Select); coding-DNA position 589, A replaced by G.
Protein change: p.Asn197Asp; replaces asparagine 197 with aspartic acid.
Molecular consequence: missense variant. On other transcripts: intron variant (2).
Genome position (GRCh38, 1-based): chr3:184,372,986, T>C on the plus strand (A>G on the coding strand, the complement: THPO is on the minus strand). VCF-style: chr3-184372986-T-C. GRCh37 (hg19) VCF-style: chr3-184090774-T-C.
Other names: c.577A>G, p.Asn193Asp (NM_001177597.2, NM_001290022.1); c.572A>G, p.Lys191Arg (NM_001177598.2, NM_001290026.1); c.589A>G, p.Asn197Asp (NM_001289998.1, NM_001290028.1); c.1009A>G, p.Asn337Asp (NM_001290003.1); c.478-5A>G (NM_001290027.1, NM_001289997.1); short protein forms N337D, N197D, K191R, N193D.
Identifiers: ClinVar variation 2076583 (VCV002076583.4), dbSNP rs773045931, ClinGen allele CA2734911.